The following is an entry in ClinVar:

ClinVar aggregate classification (germline): Conflicting classifications of pathogenicity. Review status: criteria provided, conflicting classifications (1 of 4 stars). 14 submissions from 14 submitters: Pathogenic (6); Likely pathogenic (5); Uncertain significance (1). 2 of the submissions do not count toward it. Last evaluated 2026-06-29.

Conditions:
Developmental and epileptic encephalopathy, 75. Also called: EPILEPTIC ENCEPHALOPATHY, EARLY INFANTILE, 75. Identifiers: MedGen C5193099, MONDO:0032752, OMIM 618437.
PARS2-related disorder.

Allele frequency attached by ClinVar (database versions not stated): gnomAD 0.00005 and 0.00009; TOPMed 0.00005; gnomAD exomes 0.00007 and 0.00012; ExAC 0.00013; 1000 Genomes Project 30x 0.00094; 1000 Genomes Project 0.00100.

Submissions (14):

Laboratory of Medical Genetics, University of Torino
Classification: Pathogenic for Developmental and epileptic encephalopathy, 75. Last evaluated: 2026-06-29. Review status: criteria provided, single submitter. Criteria: ACMG Guidelines, 2015. Collection method: clinical testing. Allele origin: maternal. Affected: yes.

Labcorp Genetics (formerly Invitae), Labcorp
Classification: Pathogenic. Last evaluated: 2026-01-14. Review status: criteria provided, single submitter. Criteria: Invitae Variant Classification Sherloc (09022015). Collection method: clinical testing. Allele origin: germline.
Comment: This sequence change replaces valine, which is neutral and non-polar, with isoleucine, which is neutral and non-polar, at codon 95 of the PARS2 protein (p.Val95Ile). This variant is present in population databases (rs147227819, gnomAD 0.1%). This missense change has been observed in individuals with clinical features of PARS2-related conditions (PMID: 28077841, 29915213, 30237576, 31130284, 32071833, 32514400). It has also been observed to segregate with disease in related individuals. ClinVar contains an entry for this variant (Variation ID: 432121). An algorithm developed to predict the effect of missense changes on protein structure and function (PolyPhen-2) suggests that this variant is likely to be tolerated. For these reasons, this variant has been classified as Pathogenic.

GeneDx
Classification: Likely pathogenic. Last evaluated: 2025-09-15. Review status: criteria provided, single submitter. Criteria: GeneDx Variant Classification Process June 2021. Collection method: clinical testing. Allele origin: germline. Affected: yes.
Comment: In silico analysis suggests that this missense variant does not alter protein structure/function; This variant is associated with the following publications: (PMID: 32071833, 34426522, 31130284, 31487502, 35982159, 28077841, Franz2020[paper], 34484863, 37956963, 29915213, 32514400, 32533790, 39253392, 34645488, 38087948, 37644014, 32860008, 34585293, 30237576)

CeGaT Center for Human Genetics Tuebingen
Classification: Pathogenic. Last evaluated: 2024-11-01. Review status: criteria provided, single submitter. Criteria: CeGaT Center For Human Genetics Tuebingen Variant Classification Criteria Version 2. Collection method: clinical testing. Allele origin: germline. Affected: yes. Observed: 2 variant alleles.
Comment: PARS2: PM3:Very Strong, PP1:Strong, PM2, BP4

Blueprint Genetics
Classification: Likely pathogenic for PARS2-related disorders. Last evaluated: 2024-07-12. Review status: criteria provided, single submitter. Criteria: ACMG Guidelines, 2015. Collection method: clinical testing. Allele origin: germline. Affected: yes. Observed: 5 variant alleles.

Genomic Medicine Center of Excellence, King Faisal Specialist Hospital and Research Centre
Classification: Likely pathogenic for Developmental and epileptic encephalopathy, 75. Last evaluated: 2024-03-17. Review status: criteria provided, single submitter. Criteria: ACMG Guidelines, 2015. Collection method: research. Allele origin: germline.

Victorian Clinical Genetics Services, Murdoch Childrens Research Institute
Classification: Pathogenic for Developmental and epileptic encephalopathy, 75. Last evaluated: 2022-02-02. Review status: criteria provided, single submitter. Criteria: ACMG Guidelines, 2015. Collection method: clinical testing. Allele origin: germline. Inheritance: Autosomal recessive inheritance.
Comment: Based on the classification scheme VCGS_Germline_v1.3.4, this variant is classified as Pathogenic. Following criteria are met: 0102 - Loss of function is a likely mechanism of disease in this gene and is associated with developmental and epileptic encephalopathy 75 (MIM#618437). (I) 0106 - This gene is associated with autosomal recessive disease. (I) 0200 - Variant is predicted to result in a missense amino acid change from valine to isoleucine. (I) 0251 - This variant is heterozygous. (I) 0304 - Variant is present in gnomAD (v2) <0.01 for a recessive condition (31 heterozygotes, 0 homozygotes). (SP) 0503 - Missense variant consistently predicted to be tolerated by multiple in silico tools or not conserved in placental mammals with a minor amino acid change. (SB) 0600 - Variant is located in the annotated dimerization domain (NCBI, PMID: 29915213). (I) 0705 - No comparable missense variants have previous evidence for pathogenicity. (I) 0801 - This variant has strong previous evidence of pathogenicity in unrelated individuals. This variant has been described once as a VUS, but more recently and consistently as pathogenic and likely pathogenic in many unrelated homozygous and compound heterozygous individuals with infantile-onset epileptic encephalopathy, microcephaly, intellectual disability, seizures and/or mitochondrial disease (ClinVar, PMID: 31130284, PMID: 32071833, PMID: 30237576, PMID: 28077841, PMID: 29915213, PMID: 32533790, PMID: 32514400). (SP) 0902 - This variant has moderate evidence for segregation with disease. It was observed in a combined total of four affected siblings in two unrelated families with infantile-onset epileptic encephalopathy (PMID: 28077841, PMID: 29915213). (SP) 1007 - No published functional evidence has been identified for this variant. (I) 1208 - Inheritance information for this variant is not currently available in this individual. (I) Legend: (SP) - Supporting pathogenic, (I) - Information, (SB) - Supporting benign

SIB Swiss Institute of Bioinformatics
Classification: Uncertain significance for Developmental and epileptic encephalopathy, 75. Last evaluated: 2019-10-01. Review status: criteria provided, single submitter. Criteria: ACMG Guidelines, 2015. Collection method: curation. Allele origin: unknown.
Comment: This variant is interpreted as a variant of uncertain significance for Epileptic encephalopathy, early infantile, 75, autosomal recessive. The following ACMG Tag(s) were applied: PM2, PP1, PM3.

CENTOGENE GmbH and LLC - Guiding Precision Medicine
Classification: Pathogenic for Developmental and epileptic encephalopathy, 75. Review status: criteria provided, single submitter. Criteria: ACMG Guidelines, 2015. Collection method: clinical testing. Allele origin: germline. Affected: yes.

Juno Genomics, Hangzhou Juno Genomics, Inc
Classification: Likely pathogenic for Developmental and epileptic encephalopathy, 75. Review status: criteria provided, single submitter. Criteria: ACMG Guidelines, 2015. Collection method: clinical testing. Allele origin: germline. Affected: yes.
Comment: For recessive disorders, detected in trans with a pathogenic variant.;Co-segregation with disease in multiple affected family members in a gene definitively known to cause the disease.;Multiple lines of computational evidence suggest no impact on gene or gene product (conservation, evolutionary, splicing impact, etc).

Pathology and Clinical Laboratory Medicine, King Fahad Medical City
Classification: Pathogenic for Developmental and epileptic encephalopathy, 75. Review status: criteria provided, single submitter. Criteria: ACMG Guidelines, 2015. Collection method: clinical testing. Allele origin: germline. Affected: yes. Observed: 2 variant alleles.

Solve-RD Consortium
Classification: Likely pathogenic for Developmental and epileptic encephalopathy, 75. Review status: criteria provided, single submitter. Criteria: ACMG Guidelines, 2015. Collection method: provider interpretation. Allele origin: germline. Inheritance: Autosomal recessive inheritance. Affected: yes. Study: Solve-RD DIFT-EpiCARE reanalysis.
Comment: PM3, PM2

Variant identified during reanalysis of unsolved cases by the Solve-RD project. The Solve-RD project has received funding from the European Union’s Horizon 2020 research and innovation programme under grant agreement No 779257.

OMIM
Classification: Pathogenic for DEVELOPMENTAL AND EPILEPTIC ENCEPHALOPATHY 75. Last evaluated: 2023-04-19. Review status: no assertion criteria provided. Collection method: literature only. Allele origin: germline. Not counted in ClinVar's aggregate classification.

Biochemical Molecular Genetic Laboratory, King Abdulaziz Medical City
Classification: Pathogenic for PARS2-related disorder. Last evaluated: 2018-04-26. Review status: no assertion criteria provided. Collection method: clinical testing. Allele origin: germline. Affected: yes. Not counted in ClinVar's aggregate classification.

Literature cited by the submitters: PubMed 28077841 (cited by 3 submitters); PubMed 29915213 (cited by 4 submitters); PubMed 30237576 (cited by 4 submitters); PubMed 31130284 (cited by Labcorp Genetics (formerly Invitae), Labcorp and Victorian Clinical Genetics Services, Murdoch Childrens Research Institute); PubMed 32071833 (cited by Labcorp Genetics (formerly Invitae), Labcorp and Victorian Clinical Genetics Services, Murdoch Childrens Research Institute); PubMed 32514400 (cited by Labcorp Genetics (formerly Invitae), Labcorp and Victorian Clinical Genetics Services, Murdoch Childrens Research Institute); PubMed 32533790 (cited by Victorian Clinical Genetics Services, Murdoch Childrens Research Institute); Mizuguchi, T., Nakashima, M., Kato, M., Yamada, K., Okanishi, T., Ekhilevitch, N., Mandel, H., Eran, A., Toyono, M., Sawaishi, Y., Motoi, H., Shiina, M., Ogata, K., Miyatake, S., Miyake, N., Saitsu, H., Matsumoto, N. PARS2 and NARS2 mutations in infantile-onset neurodegenerative disorder. J. Hum. Genet. 62: 525-529, 2017. ::J. Hum. Genet.::62: 525-529, 2017. Note: Erratum: J. Hum. Genet. 62: 587 only, 2017. (cited by OMIM).

NM_152268.4(PARS2):c.283G>A (p.Val95Ile)

Gene: PARS2 (prolyl-tRNA synthetase 2, mitochondrial; minus strand). Cytogenetic location: 1p32.3.
Variant type: single nucleotide variant.
Coding change: c.283G>A on transcript NM_152268.4 (MANE Select); coding-DNA position 283, G replaced by A.
Protein change: p.Val95Ile; replaces valine 95 with isoleucine.
Molecular consequence: missense variant.
Genome position (GRCh38, 1-based): chr1:54,758,879, C>T on the plus strand (G>A on the coding strand, the complement: PARS2 is on the minus strand). VCF-style: chr1-54758879-C-T. GRCh37 (hg19) VCF-style: chr1-55224552-C-T.
Other names: PARS2, VAL95ILE (rs147227819); short protein forms V95I.
Identifiers: ClinVar variation 432121 (VCV000432121.42), dbSNP rs147227819, ClinGen allele CA869514.
Genomic context (GRCh38, chr1:54,758,879, plus strand): 5'-GGCCCCCGATGGCCTGCATCTCCTGGTCTATCACTCGCACGAGCTTCTCCATGGCACGGA[C>T]GGTATATGGCAGGAGGTGGTAACAGCCGGGGCTTGCTGGGTAGATCAGGCCCACCTGCAG-3'
Protein context (NP_689481.2, residues 85-105): PGCYHLLPYT[Val95Ile]RAMEKLVRVI